The following is an entry in ClinVar:

ClinVar aggregate classification (germline): Uncertain significance (1 of 4 stars; one submission).

Conditions:
Primary immunodeficiency with post-measles-mumps-rubella vaccine viral infection. Also called: Immunodeficiency 44. Identifiers: Orphanet 431166, MedGen C4225260, MONDO:0014715, OMIM 616636.

Allele frequency attached by ClinVar (database versions not stated): TOPMed below 0.00001.
gnomAD v4.1: 1 of 1,614,156 alleles (0.000062%); highest among the groups gnomAD compares: Non-Finnish European, 0.000085%; no homozygotes.

Submission:

Labcorp Genetics (formerly Invitae), Labcorp
Classification: Uncertain significance for Primary immunodeficiency with post-measles-mumps-rubella vaccine viral infection. Last evaluated: 2021-09-01. Review status: criteria provided, single submitter. Criteria: Invitae Variant Classification Sherloc (09022015). Collection method: clinical testing. Allele origin: germline.
Comment: This sequence change replaces serine with asparagine at codon 582 of the STAT2 protein (p.Ser582Asn). The serine residue is highly conserved and there is a small physicochemical difference between serine and asparagine. This variant is not present in population databases (ExAC no frequency). This variant has not been reported in the literature in individuals affected with STAT2-related conditions. Algorithms developed to predict the effect of missense changes on protein structure and function are either unavailable or do not agree on the potential impact of this missense change (SIFT: "Tolerated"; PolyPhen-2: "Possibly Damaging"; Align-GVGD: "Class C0"). In summary, the available evidence is currently insufficient to determine the role of this variant in disease. Therefore, it has been classified as a Variant of Uncertain Significance.

NM_005419.4(STAT2):c.1745G>A (p.Ser582Asn)

Gene: STAT2 (signal transducer and activator of transcription 2; minus strand). Cytogenetic location: 12q13.3.
Variant type: single nucleotide variant.
Coding change: c.1745G>A on transcript NM_005419.4 (MANE Select); coding-DNA position 1745, G replaced by A.
Protein change: p.Ser582Asn; replaces serine 582 with asparagine.
Molecular consequence: missense variant.
Genome position (GRCh38, 1-based): chr12:56,346,935, C>T on the plus strand (G>A on the coding strand, the complement: STAT2 is on the minus strand). VCF-style: chr12-56346935-C-T. GRCh37 (hg19) VCF-style: chr12-56740719-C-T.
Other names: c.1712G>A, p.Ser571Asn (NM_001385110.1); c.1646G>A, p.Ser549Asn (NM_001385111.1); c.1745G>A, p.Ser582Asn (NM_001385113.1); c.1724G>A, p.Ser575Asn (NM_001385114.1); c.1703G>A, p.Ser568Asn (NM_001385115.1); c.1733G>A, p.Ser578Asn (NM_198332.2); short protein forms S549N, S582N, S568N, S575N, S571N, S578N.
Identifiers: ClinVar variation 1040423 (VCV001040423.6), dbSNP rs1490818178, ClinGen allele CA385260148.
Genomic context (GRCh38, chr12:56,346,935, plus strand): 5'-AAGCGCAGTAGAAAGGTGCCAGACATGGTCTTCTTCAGCAGCCGGCGCTCCTGGCTCCGA[C>T]TCACAAAGCCCATGATGCGTCTGGAGCACAGAGAGCAGCTGTGAGACACCGCCCAACACC-3'
Protein context (NP_005410.1, residues 572-592): WNDGRIMGFV[Ser582Asn]RSQERRLLKK